The following is an entry in ClinVar:

ClinVar aggregate classification (germline): Uncertain significance (0 of 4 stars; one submission).

Conditions:
KIDINS220-related disorder. Also called: KIDINS220-related condition.

Submission:

PreventionGenetics, part of Exact Sciences
Classification: Uncertain significance for KIDINS220-related condition. Last evaluated: 2023-12-24. Review status: no assertion criteria provided. Collection method: clinical testing. Allele origin: germline.
Comment: The KIDINS220 c.3548C>G variant is predicted to result in the amino acid substitution p.Ala1183Gly. To our knowledge, this variant has not been reported in the literature. This variant is reported in 0.017% of alleles in individuals of African descent in gnomAD. At this time, the clinical significance of this variant is uncertain due to the absence of conclusive functional and genetic evidence.

NM_020738.4(KIDINS220):c.3548C>G (p.Ala1183Gly)

Gene: KIDINS220 (kinase D interacting substrate 220; minus strand). Cytogenetic location: 2p25.1.
Variant type: single nucleotide variant.
Coding change: c.3548C>G on transcript NM_020738.4 (MANE Select); coding-DNA position 3548, C replaced by G.
Protein change: p.Ala1183Gly; replaces alanine 1183 with glycine.
Molecular consequence: missense variant. On other transcripts: non-coding transcript variant (1), intron variant (11).
Genome position (GRCh38, 1-based): chr2:8,747,182, G>C on the plus strand (C>G on the coding strand, the complement: KIDINS220 is on the minus strand). VCF-style: chr2-8747182-G-C. GRCh37 (hg19) VCF-style: chr2-8887312-G-C.
Other names: c.3551C>G, p.Ala1184Gly (NM_001348729.2); c.3414+2930C>G (NM_001348741.2, NM_001348742.2, NM_001348743.2 and 1 more transcripts); c.3528+705C>G (NM_001348738.2, NM_001348732.2); c.3417+2930C>G (NM_001348739.2, NM_001348740.2, NM_001348734.2); c.3531+705C>G (NM_001348731.2); c.3288+2930C>G (NM_001348736.2); short protein forms A1183G, A1184G.
Identifiers: ClinVar variation 3348184 (VCV003348184.1).